The following is an entry in ClinVar:

ClinVar aggregate classification (germline): Uncertain significance. Review status: criteria provided, multiple submitters, no conflicts (2 of 4 stars). 2 submissions from 2 submitters: Uncertain significance (2). Last evaluated 2024-04-25.

Conditions:
Autosomal recessive spastic paraplegia type 78. Identifiers: Orphanet 513436, MedGen C5567893, MONDO:0014975, OMIM 617225.
Kufor-Rakeb syndrome (KRS). Also called: PARKINSON DISEASE 9, AUTOSOMAL RECESSIVE, JUVENILE-ONSET. Identifiers: Orphanet 306674, Orphanet 314632, MedGen C1847640, MONDO:0011706, OMIM 606693.

Allele frequency attached by ClinVar (database versions not stated): gnomAD 0.00002.
gnomAD v4.1: 15 of 1,614,080 alleles (0.00093%); highest among the groups gnomAD compares: African/African-American, 0.0067%; no homozygotes.

Submissions (2):

Labcorp Genetics (formerly Invitae), Labcorp
Classification: Uncertain significance for Kufor-Rakeb syndrome; Autosomal recessive spastic paraplegia type 78. Last evaluated: 2024-04-25. Review status: criteria provided, single submitter. Criteria: Invitae Variant Classification Sherloc (09022015). Collection method: clinical testing. Allele origin: germline.
Comment: This sequence change replaces arginine, which is basic and polar, with cysteine, which is neutral and slightly polar, at codon 66 of the ATP13A2 protein (p.Arg66Cys). This variant is present in population databases (no rsID available, gnomAD 0.004%). This variant has not been reported in the literature in individuals affected with ATP13A2-related conditions. ClinVar contains an entry for this variant (Variation ID: 1215759). Advanced modeling of protein sequence and biophysical properties (such as structural, functional, and spatial information, amino acid conservation, physicochemical variation, residue mobility, and thermodynamic stability) performed at Invitae indicates that this missense variant is not expected to disrupt ATP13A2 protein function with a negative predictive value of 80%. In summary, the available evidence is currently insufficient to determine the role of this variant in disease. Therefore, it has been classified as a Variant of Uncertain Significance.

GeneDx
Classification: Uncertain significance. Last evaluated: 2019-04-26. Review status: criteria provided, single submitter. Criteria: GeneDx Variant Classification Process June 2021. Collection method: clinical testing. Allele origin: germline. Affected: yes.
Comment: Not observed at a significant frequency in large population cohorts (Lek et al., 2016); In silico analysis, which includes protein predictors and evolutionary conservation, supports that this variant does not alter protein structure/function; Has not been previously published as pathogenic or benign to our knowledge

NM_022089.4(ATP13A2):c.196C>T (p.Arg66Cys)

Gene: ATP13A2 (ATPase cation transporting 13A2; minus strand). Cytogenetic location: 1p36.13.
Variant type: single nucleotide variant.
Coding change: c.196C>T on transcript NM_022089.4 (MANE Select); coding-DNA position 196, C replaced by T.
Protein change: p.Arg66Cys; replaces arginine 66 with cysteine.
Molecular consequence: missense variant.
Genome position (GRCh38, 1-based): chr1:17,005,466, G>A on the plus strand (C>T on the coding strand, the complement: ATP13A2 is on the minus strand). VCF-style: chr1-17005466-G-A. GRCh37 (hg19) VCF-style: chr1-17331961-G-A.
Other names: c.196C>T, p.Arg66Cys (NM_001141973.3, NM_001141974.3); short protein forms R66C.
Identifiers: ClinVar variation 1215759 (VCV001215759.8), dbSNP rs768327980, ClinGen allele CA338264536.